The following is an entry in ClinVar:

ClinVar aggregate classification (germline): Uncertain significance. Review status: criteria provided, multiple submitters, no conflicts (2 of 4 stars). 3 submissions from 3 submitters: Uncertain significance (3). Last evaluated 2024-05-26.

Conditions:
Congenital disorder of glycosylation with defective fucosylation 2 (CDGF2). Identifiers: MedGen C5193028, MONDO:0020777, OMIM 618324.

Allele frequency attached by ClinVar (database versions not stated): 1000 Genomes Project 0.00020; 1000 Genomes Project 30x 0.00031.
gnomAD v4.1: 198 of 1,556,728 alleles (0.013%); highest among the groups gnomAD compares: Middle Eastern, 0.017%; no homozygotes.

Submissions (3):

Labcorp Genetics (formerly Invitae), Labcorp
Classification: Uncertain significance. Last evaluated: 2024-05-26. Review status: criteria provided, single submitter. Criteria: Invitae Variant Classification Sherloc (09022015). Collection method: clinical testing. Allele origin: germline.
Comment: This sequence change replaces arginine, which is basic and polar, with tryptophan, which is neutral and slightly polar, at codon 605 of the FUK protein (p.Arg605Trp). This variant is present in population databases (rs554866648, gnomAD 0.01%). This variant has not been reported in the literature in individuals affected with FUK-related conditions. ClinVar contains an entry for this variant (Variation ID: 2591646). An algorithm developed to predict the effect of missense changes on protein structure and function (PolyPhen-2) suggests that this variant is likely to be disruptive. In summary, the available evidence is currently insufficient to determine the role of this variant in disease. Therefore, it has been classified as a Variant of Uncertain Significance.

Ambry Genetics
Classification: Uncertain significance. Last evaluated: 2023-09-13. Review status: criteria provided, single submitter. Criteria: Ambry Variant Classification Scheme 2023. Collection method: clinical testing. Allele origin: germline.

Department of Pathology and Laboratory Medicine, Sinai Health System
Classification: Uncertain significance for Congenital disorder of glycosylation with defective fucosylation 2. Last evaluated: 2020-06-14. Review status: criteria provided, single submitter. Criteria: ACMG Guidelines, 2015. Collection method: research. Allele origin: germline.

NM_145059.3(FCSK):c.1813C>T (p.Arg605Trp)

Gene: FCSK (fucose kinase; plus strand). Cytogenetic location: 16q22.1.
Variant type: single nucleotide variant.
Coding change: c.1813C>T on transcript NM_145059.3 (MANE Select); coding-DNA position 1813, C replaced by T.
Protein change: p.Arg605Trp; replaces arginine 605 with tryptophan.
Molecular consequence: missense variant.
Genome position (GRCh38, 1-based): chr16:70,474,164, C>T. VCF-style: chr16-70474164-C-T. GRCh37 (hg19) VCF-style: chr16-70508067-C-T.
Other names: short protein forms R605W.
Identifiers: ClinVar variation 2591646 (VCV002591646.5), dbSNP rs554866648, ClinGen allele CA8143424.